The following is an entry in ClinVar:

NM_025179.4(PLXNA2):c.198C>T (p.Ala66=)

Gene: PLXNA2 (plexin A2; minus strand). Cytogenetic location: 1q32.2.
Variant type: single nucleotide variant.
Coding change: c.198C>T on transcript NM_025179.4 (MANE Select); coding-DNA position 198, C replaced by T.
Protein change: p.Ala66=; no amino-acid change (alanine 66 retained).
Molecular consequence: synonymous variant.
Genome position (GRCh38, 1-based): chr1:208,217,725, G>A on the plus strand (C>T on the coding strand, the complement: PLXNA2 is on the minus strand). VCF-style: chr1-208217725-G-A. GRCh37 (hg19) VCF-style: chr1-208391070-G-A.
Identifiers: ClinVar variation 746886 (VCV000746886.8), dbSNP rs35598508, ClinGen allele CA1374114.
Genomic context (GRCh38, chr1:208,217,725, plus strand): 5'-CCCTGTCTTATGAGCCACCTGGATGGTCAGGTTGCCTGTCAGCTTATAGACCCGGTTGAT[G>A]GCCCCCACATAGACGGCCCCCGTCCCTTGGTGGACGGTCAAGTGGTTGAAGGTCCAGTCA-3'
Protein context (NP_079455.3, residues 56-76): HQGTGAVYVG[Ala66=]INRVYKLTGN

ClinVar aggregate classification (germline): Likely benign. Review status: criteria provided, single submitter (1 of 4 stars). 2 submissions from 2 submitters: Likely benign (1). 1 of the submissions does not count toward it. Last evaluated 2024-08-05.

Conditions:
PLXNA2-related disorder. Also called: PLXNA2-related condition.

Allele frequency attached by ClinVar (database versions not stated): ESP Exome Variant Server 0.00015; TOPMed 0.00019; gnomAD exomes 0.00022; ExAC 0.00024; gnomAD 0.00021.
gnomAD v4.1: 464 of 1,614,046 alleles (0.029%); highest among the groups gnomAD compares: Non-Finnish European, 0.034%; no homozygotes.

Submissions (2):

Labcorp Genetics (formerly Invitae), Labcorp
Classification: Likely benign. Last evaluated: 2024-08-05. Review status: criteria provided, single submitter. Criteria: Invitae Variant Classification Sherloc (09022015). Collection method: clinical testing. Allele origin: germline.

PreventionGenetics, part of Exact Sciences
Classification: Likely benign for PLXNA2-related condition. Last evaluated: 2021-08-19. Review status: no assertion criteria provided. Collection method: clinical testing. Allele origin: germline. Not counted in ClinVar's aggregate classification.
Comment: This variant is classified as likely benign based on ACMG/AMP sequence variant interpretation guidelines (Richards et al. 2015 PMID: 25741868, with internal and published modifications).